The following is an entry in ClinVar:

ClinVar aggregate classification (germline): Uncertain significance (1 of 4 stars; one submission).

Submission:

Women's Health and Genetics/Laboratory Corporation of America, LabCorp
Classification: Uncertain significance. Last evaluated: 2026-03-04. Review status: criteria provided, single submitter. Criteria: LabCorp Variant Classification Summary - May 2015. Collection method: clinical testing. Allele origin: germline.
Comment: Variant summary: F2 c.788G>A (p.Arg263His) results in a non-conservative amino acid change in the encoded protein sequence. Algorithms developed to predict the effect of missense changes on protein structure and function all suggest that this variant is likely to be disruptive. The variant was absent in 251360 control chromosomes. The available data on variant occurrences in the general population are insufficient to allow any conclusion about variant significance. To our knowledge, no occurrence of c.788G>A in individuals affected with F2-related conditions and no experimental evidence demonstrating its impact on protein function have been reported. No submitters have cited clinical-significance assessments for this variant to ClinVar. Based on the evidence outlined above, the variant was classified as uncertain significance.

NM_000506.5(F2):c.788G>A (p.Arg263His)

Gene: F2 (coagulation factor II, thrombin; plus strand). Cytogenetic location: 11p11.2.
Variant type: single nucleotide variant.
Coding change: c.788G>A on transcript NM_000506.5 (MANE Select); coding-DNA position 788, G replaced by A.
Protein change: p.Arg263His; replaces arginine 263 with histidine.
Molecular consequence: missense variant.
Genome position (GRCh38, 1-based): chr11:46,726,087, G>A. VCF-style: chr11-46726087-G-A. GRCh37 (hg19) VCF-style: chr11-46747637-G-A.
Other names: short protein forms R263H.
Identifiers: ClinVar variation 4847483 (VCV004847483.1).